The following is an entry in ClinVar:

NM_000138.5(FBN1):c.5065+2dup

Gene: FBN1 (fibrillin 1; minus strand). Cytogenetic location: 15q21.1.
Variant type: Duplication.
Coding change: c.5065+2dup on transcript NM_000138.5 (MANE Select); the canonical splice donor site of the intron after coding-DNA position 5065, one base duplicated (T; older notation c.5065+2dupT).
Molecular consequence: splice donor variant.
Genome position (GRCh38, 1-based): chr15:48,463,897, A duplicated on the plus strand (T on the coding strand, the reverse complement: FBN1 is on the minus strand). VCF-style (leftmost placement, unchanged base first): chr15-48463896-T-TA. GRCh37 (hg19) VCF-style: chr15-48756093-T-TA.
Other names: c.5065+2dupT (NM_000138.4).
Identifiers: ClinVar variation 519760 (VCV000519760.11), dbSNP rs1555396835, ClinGen allele CA658798355.

ClinVar aggregate classification (germline): Pathogenic. Review status: reviewed by expert panel (3 of 4 stars). 3 submissions from 3 submitters: Pathogenic (1). 2 of the submissions do not count toward it. Last evaluated 2024-08-22.

Conditions:
Marfan syndrome (MFS). Also called: FBN1-Related Marfan Syndrome; Marfan's syndrome; MARFAN SYNDROME, TYPE I; Marfan syndrome, classic; Marfan syndrome type 1. Identifiers: Orphanet 284963, Orphanet 558, MedGen C0024796, MONDO:0007947, OMIM 154700.
Familial thoracic aortic aneurysm and aortic dissection (TAAD). Also called: Thoracic aortic aneurysms and dissections. Identifiers: Orphanet 91387, MedGen C4707243, MONDO:0019625.

Submissions (3):

ClinGen FBN1 Variant Curation Expert Panel, ClinGen
Classification: Pathogenic for Marfan syndrome. Last evaluated: 2024-08-22. Review status: reviewed by expert panel. Criteria: Assertion Criteria VCEP FBN1 Version 1. Collection method: curation. Allele origin: germline. Inheritance: Autosomal dominant inheritance.
Comment: The NM_000138 c.5065+2dup in FBN1 is a splice site variant predicted to affect a donor splice site in intron 40 of the gene. By an RT-PCR assay in patient-derived aortic fibroblasts, this variant was determined to disrupt RNA splicing resulting in a frameshift deletion (r.5037_5065del); this is expected to result in an absent or disrupted protein product (PVS1 [RNA]; University of Tokyo internal data). This variant was found in an adult proband with thoracic aortic aneurysm and dissection (TAAD) and ectopia lentis, which is a highly specific phenotype for Marfan syndrome (MFS) (PP4; University of Tokyo internal data). It has also been identified in a child with TAA and a positive family history of MFS (Invitae internal data). This variant has been reported 2 times in ClinVar as pathogenic (1) and of uncertain significance (1) (Variation ID: 519760). This variant is not present in gnomAD (PM2_supporting). In summary, this variant meets criteria to be classified as pathogenic for Marfan syndrome based on the ACMG/AMP criteria applied, as specified by the ClinGen FBN1 VCEP: PVS1, PP4, PM2_supporting.

Ambry Genetics
Classification: Pathogenic for Familial thoracic aortic aneurysm and aortic dissection. Last evaluated: 2026-08-20. Review status: criteria provided, single submitter. Criteria: Ambry Variant Classification Scheme 2023. Collection method: clinical testing. Allele origin: germline. Not counted in ClinVar's aggregate classification.
Comment: The c.5065+2dupT intronic pathogenic mutation, results from a duplication of a nucleotide between 5065+2 and 5065+3 after intron 40 of the FBN1 gene. This variant was reported in individual(s) with features consistent with Marfan syndrome (Ambry internal data; external communication). RNA studies have demonstrated that this variant results in abnormal splicing in the set of samples tested (external communication). This variant is considered to be rare based on population cohorts in the Genome Aggregation Database (gnomAD). This nucleotide position is highly conserved in available vertebrate species. In silico splice site analysis predicts that this alteration will weaken the native splice donor site and may result in the creation or strengthening of a novel splice donor site. Based on the supporting evidence, this variant is interpreted as a disease-causing mutation.

Labcorp Genetics (formerly Invitae), Labcorp
Classification: Uncertain significance for Marfan syndrome; Familial thoracic aortic aneurysm and aortic dissection. Last evaluated: 2024-07-08. Review status: criteria provided, single submitter. Criteria: Invitae Variant Classification Sherloc (09022015). Collection method: clinical testing. Allele origin: germline. Not counted in ClinVar's aggregate classification.
Comment: This sequence change falls in intron 41 of the FBN1 gene. It does not directly change the encoded amino acid sequence of the FBN1 protein. It affects a nucleotide within the consensus splice site. This variant is not present in population databases (gnomAD no frequency). This variant has not been reported in the literature in individuals affected with FBN1-related conditions. ClinVar contains an entry for this variant (Variation ID: 519760). Variants that disrupt the consensus splice site are a relatively common cause of aberrant splicing (PMID: 17576681, 9536098). Algorithms developed to predict the effect of sequence changes on RNA splicing suggest that this variant may disrupt the consensus splice site. In summary, the available evidence is currently insufficient to determine the role of this variant in disease. Therefore, it has been classified as a Variant of Uncertain Significance.

Literature cited by the submitters: PubMed 17576681 (cited by Labcorp Genetics (formerly Invitae), Labcorp); PubMed 9536098 (cited by Labcorp Genetics (formerly Invitae), Labcorp).